The following is an entry in ClinVar:

ClinVar aggregate classification (germline): Uncertain significance. Review status: criteria provided, multiple submitters, no conflicts (2 of 4 stars). 2 submissions from 2 submitters: Uncertain significance (2). Last evaluated 2025-05-06.

Conditions:
Inborn genetic diseases. Identifiers: MedGen C0950123, MeSH D030342.
Spastic paraplegia. Identifiers: MedGen C0037772, HP:0001258.

Allele frequency attached by ClinVar (database versions not stated): gnomAD 0.00005 and 0.00006; gnomAD exomes 0.00005 and 0.00007; TOPMed 0.00005; 1000 Genomes Project 0.00020; 1000 Genomes Project 30x 0.00031.

Submissions (2):

Labcorp Genetics (formerly Invitae), Labcorp
Classification: Uncertain significance for Spastic paraplegia. Last evaluated: 2025-05-06. Review status: criteria provided, single submitter. Criteria: Invitae Variant Classification Sherloc (09022015). Collection method: clinical testing. Allele origin: germline.
Comment: This sequence change replaces aspartic acid, which is acidic and polar, with asparagine, which is neutral and polar, at codon 140 of the GJC2 protein (p.Asp140Asn). This variant is present in population databases (rs563631405, gnomAD 0.07%). This variant has not been reported in the literature in individuals affected with GJC2-related conditions. ClinVar contains an entry for this variant (Variation ID: 841232). Invitae Evidence Modeling of protein sequence and biophysical properties (such as structural, functional, and spatial information, amino acid conservation, physicochemical variation, residue mobility, and thermodynamic stability) indicates that this missense variant is not expected to disrupt GJC2 protein function with a negative predictive value of 95%. In summary, the available evidence is currently insufficient to determine the role of this variant in disease. Therefore, it has been classified as a Variant of Uncertain Significance.

Ambry Genetics
Classification: Uncertain significance for Inborn genetic diseases. Last evaluated: 2025-03-21. Review status: criteria provided, single submitter. Criteria: Ambry Variant Classification Scheme 2023. Collection method: clinical testing. Allele origin: germline.

NM_020435.4(GJC2):c.418G>A (p.Asp140Asn)

Gene: GJC2 (gap junction protein gamma 2; plus strand). Cytogenetic location: 1q42.13.
Variant type: single nucleotide variant.
Coding change: c.418G>A on transcript NM_020435.4 (MANE Select); coding-DNA position 418, G replaced by A.
Protein change: p.Asp140Asn; replaces aspartic acid 140 with asparagine.
Molecular consequence: missense variant.
Genome position (GRCh38, 1-based): chr1:228,158,176, G>A. VCF-style: chr1-228158176-G-A. GRCh37 (hg19) VCF-style: chr1-228345877-G-A.
Other names: short protein forms D140N.
Identifiers: ClinVar variation 841232 (VCV000841232.12), dbSNP rs563631405, ClinGen allele CA38727625.